The following is an entry in ClinVar:

NM_000283.4(PDE6B):c.814C>T (p.Arg272Trp)

Genes: PDE6B (phosphodiesterase 6B; plus strand), PDE6B-AS1 (PDE6B antisense RNA 1; minus strand). Cytogenetic location: 4p16.3.
Variant type: single nucleotide variant.
Coding change: c.814C>T on transcript NM_000283.4 (MANE Select); coding-DNA position 814, C replaced by T.
Protein change: p.Arg272Trp; replaces arginine 272 with tryptophan.
Molecular consequence: missense variant. On other transcripts: 5 prime UTR variant (5).
Genome position (GRCh38, 1-based): chr4:653,954, C>T. VCF-style: chr4-653954-C-T. GRCh37 (hg19) VCF-style: chr4-647743-C-T.
Other names: c.814C>T (NM_000283.3); c.814C>T, p.Arg272Trp (NM_001145291.2); c.-24C>T (NM_001145292.2, NM_001350154.3, NM_001379246.1 and 1 more transcripts); c.-227C>T (NM_001350155.3); short protein forms R272W.
Identifiers: ClinVar variation 1018832 (VCV001018832.11), dbSNP rs150497650, ClinGen allele CA2794133.
Genomic context (GRCh38, chr4:653,954, plus strand): 5'-GACATCGAGAGGCAGTTCCACAAGGCCTTCTACACGGTGCGGGCCTACCTCAACTGCGAG[C>T]GGTACTCCGTGGGCCTCCTGGACATGACCAAGGAGAAGGTGAGGCTTCCGTGGCTCAGGG-3'
Protein context (NP_000274.3, residues 262-282): YTVRAYLNCE[Arg272Trp]YSVGLLDMTK

ClinVar aggregate classification (germline): Conflicting classifications of pathogenicity. Review status: criteria provided, conflicting classifications (1 of 4 stars). 3 submissions from 3 submitters: Likely pathogenic (1); Uncertain significance (2). Last evaluated 2024-10-14.

Conditions:
PDE6B-related disorder. Also called: PDE6B-related disease; PDE6B-related condition; PDE6B-related disorders.
Inborn genetic diseases. Identifiers: MedGen C0950123, MeSH D030342.

Allele frequency attached by ClinVar (database versions not stated): ExAC 0.00001; gnomAD 0.00002; gnomAD exomes 0.00002; TOPMed 0.00002; ESP Exome Variant Server 0.00008.
gnomAD v4.1: 19 of 1,613,714 alleles (0.0012%); highest among the groups gnomAD compares: Admixed American, 0.0033%; no homozygotes.

Submissions (3):

Blueprint Genetics
Classification: Likely pathogenic for PDE6B-related disorders. Last evaluated: 2024-10-14. Review status: criteria provided, single submitter. Criteria: ACMG Guidelines, 2015. Collection method: clinical testing. Allele origin: germline. Affected: yes. Observed: 5 variant alleles.

Labcorp Genetics (formerly Invitae), Labcorp
Classification: Uncertain significance. Last evaluated: 2023-12-14. Review status: criteria provided, single submitter. Criteria: Invitae Variant Classification Sherloc (09022015). Collection method: clinical testing. Allele origin: germline.
Comment: This sequence change replaces arginine, which is basic and polar, with tryptophan, which is neutral and slightly polar, at codon 272 of the PDE6B protein (p.Arg272Trp). This variant is present in population databases (rs150497650, gnomAD 0.004%). This missense change has been observed in individual(s) with clinical features of retinitis pigmentosa (Invitae). ClinVar contains an entry for this variant (Variation ID: 1018832). Advanced modeling of protein sequence and biophysical properties (such as structural, functional, and spatial information, amino acid conservation, physicochemical variation, residue mobility, and thermodynamic stability) has been performed at Invitae for this missense variant, however the output from this modeling did not meet the statistical confidence thresholds required to predict the impact of this variant on PDE6B protein function. In summary, the available evidence is currently insufficient to determine the role of this variant in disease. Therefore, it has been classified as a Variant of Uncertain Significance.

Ambry Genetics
Classification: Uncertain significance for Inborn genetic diseases. Last evaluated: 2021-10-12. Review status: criteria provided, single submitter. Criteria: Ambry Variant Classification Scheme 2023. Collection method: clinical testing. Allele origin: germline.